The following is an entry in ClinVar:

NM_014975.3(MAST1):c.1993C>A (p.His665Asn)

Gene: MAST1 (microtubule associated serine/threonine kinase 1; plus strand). Cytogenetic location: 19p13.13.
Variant type: single nucleotide variant.
Coding change: c.1993C>A on transcript NM_014975.3 (MANE Select); coding-DNA position 1993, C replaced by A.
Protein change: p.His665Asn; replaces histidine 665 with asparagine.
Molecular consequence: missense variant.
Genome position (GRCh38, 1-based): chr19:12,866,066, C>A. VCF-style: chr19-12866066-C-A. GRCh37 (hg19) VCF-style: chr19-12976880-C-A.
Other names: short protein forms H665N.
Identifiers: ClinVar variation 5009006 (VCV005009006.1).
Genomic context (GRCh38, chr19:12,866,066, plus strand): 5'-AGTTTCTTTCGAGACCTGGACTGGACAGGGCTGCTGAGGCAGAAGGCCGAGTTCATCCCC[C>A]ACCTAGAGTCGGAAGATGACACTAGCTACTTTGACAGTGAGCTGGGACACCAGGCACGAC-3'
Protein context (NP_055790.1, residues 655-675): LLRQKAEFIP[His665Asn]LESEDDTSYF

ClinVar aggregate classification (germline): Uncertain significance (1 of 4 stars; one submission).

gnomAD v4.1: 1 of 1,614,034 alleles (0.000062%); highest among the groups gnomAD compares: Admixed American, 0.0017%; no homozygotes.

Submission:

GeneDx
Classification: Uncertain significance. Last evaluated: 2026-03-11. Review status: criteria provided, single submitter. Criteria: GeneDx Variant Classification Process June 2021. Collection method: clinical testing. Allele origin: germline.
Comment: Not observed at significant frequency in large population cohorts (gnomAD); In silico analysis suggests that this missense variant does not alter protein structure/function; Has not been previously published as pathogenic or benign to our knowledge